The following is an entry in ClinVar:

ClinVar aggregate classification (germline): Pathogenic. Review status: reviewed by expert panel (3 of 4 stars). 4 submissions from 4 submitters: Pathogenic (1). 3 of the submissions do not count toward it. Last evaluated 2016-09-08.

Conditions:
Hereditary breast ovarian cancer syndrome. Also called: Hereditary breast and ovarian cancer syndrome; Hereditary breast and ovarian cancer; Hereditary breast and ovarian cancer syndrome (HBOC); Breast and ovarian cancer; Hereditary breast and/or ovarian cancer syndrome; BRCA1- and BRCA2-Associated Hereditary Breast and Ovarian Cancer. Identifiers: Orphanet 145, MedGen C0677776, MeSH D061325, MONDO:0003582. Disease mechanism: loss of function.
Breast-ovarian cancer, familial, susceptibility to, 2 (BROVCA2). Also called: BRCA2 Hereditary Breast and Ovarian Cancer. Identifiers: Orphanet 145, MedGen C2675520, MONDO:0012933, OMIM 612555. Disease mechanism: loss of function.

Submissions (4):

Evidence-based Network for the Interpretation of Germline Mutant Alleles (ENIGMA)
Classification: Pathogenic for Breast-ovarian cancer, familial, susceptibility to, 2. Last evaluated: 2016-09-08. Review status: reviewed by expert panel. Criteria: ENIGMA BRCA1/2 Classification Criteria (2015). Collection method: curation. Allele origin: germline.
Comment: Variant allele predicted to encode a truncated non-functional protein.

Molecular Pathology, Peter Maccallum Cancer Centre
Classification: Pathogenic for Breast-ovarian cancer, familial, susceptibility to, 2. Last evaluated: 2025-02-13. Review status: criteria provided, single submitter. Criteria: ACMG Guidelines, 2015. Collection method: clinical testing. Allele origin: germline. Inheritance: Autosomal dominant inheritance. Not counted in ClinVar's aggregate classification.

Labcorp Genetics (formerly Invitae), Labcorp
Classification: Pathogenic for Hereditary breast ovarian cancer syndrome. Last evaluated: 2022-03-08. Review status: criteria provided, single submitter. Criteria: Invitae Variant Classification Sherloc (09022015). Collection method: clinical testing. Allele origin: germline. Not counted in ClinVar's aggregate classification.
Comment: ClinVar contains an entry for this variant (Variation ID: 51472). This premature translational stop signal has been observed in individual(s) with breast cancer and/or ovarian cancer (PMID: 12112655, 31228304). This variant is also known as 3693delTT. This variant is not present in population databases (gnomAD no frequency). This sequence change creates a premature translational stop signal (p.Ser1156*) in the BRCA2 gene. It is expected to result in an absent or disrupted protein product. Loss-of-function variants in BRCA2 are known to be pathogenic (PMID: 20104584). For these reasons, this variant has been classified as Pathogenic.

Consortium of Investigators of Modifiers of BRCA1/2 (CIMBA), c/o University of Cambridge
Classification: Pathogenic for Breast-ovarian cancer, familial, susceptibility to, 2. Last evaluated: 2015-10-02. Review status: criteria provided, single submitter. Criteria: CIMBA Mutation Classification guidelines May 2016. Collection method: clinical testing. Allele origin: germline. Not counted in ClinVar's aggregate classification.

Literature cited by the submitters: PubMed 12112655 (cited by Labcorp Genetics (formerly Invitae), Labcorp); PubMed 31228304 (cited by Labcorp Genetics (formerly Invitae), Labcorp); PubMed 20104584 (cited by Labcorp Genetics (formerly Invitae), Labcorp).

NM_000059.4(BRCA2):c.3465_3466del (p.Thr1155_Ser1156insTer)

Gene: BRCA2 (BRCA2 DNA repair associated; plus strand). Cytogenetic location: 13q13.1.
Variant type: Deletion.
Coding change: c.3465_3466del on transcript NM_000059.4 (MANE Select); coding-DNA positions 3465 to 3466, 2 bases deleted (TT; older notation c.3465_3466delTT).
Protein change: p.Thr1155_Ser1156insTer.
Molecular consequence: frameshift variant.
Genome position (GRCh38, 1-based): chr13:32,337,820-32,337,821, TT deleted. VCF-style (leftmost placement, unchanged base first): chr13-32337819-CTT-C. GRCh37 (hg19) VCF-style: chr13-32911956-CTT-C.
Other names: c.3465_3466delTT (NM_000059.3).
Identifiers: ClinVar variation 51472 (VCV000051472.15), dbSNP rs397507671, ClinGen allele CA018127.